The following is an entry in ClinVar:

ClinVar aggregate classification (germline): Uncertain significance. Review status: criteria provided, multiple submitters, no conflicts (2 of 4 stars). 3 submissions from 3 submitters: Uncertain significance (3). Last evaluated 2023-04-11.

Conditions:
Intellectual developmental disorder, autosomal dominant 52. Also called: Intellectual disability, autosomal dominant 52; Mental retardation, autosomal dominant 52. Identifiers: MedGen C4540478, MONDO:0030918, OMIM 617796.

Allele frequency attached by ClinVar (database versions not stated): TOPMed 0.00004; gnomAD exomes 0.00001; gnomAD 0.00005.
gnomAD v4.1: 19 of 1,614,036 alleles (0.0012%); highest among the groups gnomAD compares: African/African-American, 0.0067%; no homozygotes.

Submissions (3):

Genome-Nilou Lab
Classification: Uncertain significance for Intellectual developmental disorder, autosomal dominant 52. Last evaluated: 2023-04-11. Review status: criteria provided, single submitter. Criteria: ACMG Guidelines, 2015. Collection method: clinical testing. Allele origin: germline. Affected: no.

Revvity Omics, Revvity
Classification: Uncertain significance for Intellectual developmental disorder, autosomal dominant 52. Last evaluated: 2021-10-21. Review status: criteria provided, single submitter. Criteria: ACMG Guidelines, 2015. Collection method: clinical testing. Allele origin: germline.

New York Genome Center
Classification: Uncertain significance for Intellectual developmental disorder, autosomal dominant 52. Last evaluated: 2021-06-15. Review status: criteria provided, single submitter. Criteria: NYGC Assertion Criteria 2020. Collection method: clinical testing. Allele origin: germline. Observed: 1 heterozygote. Study: CSER-NYCKidSeq.
Comment: The heterozygous variant (c.4871G>A, p.Arg1624Gln) identified in the ASH1L gene has not been reported in the literature in individuals with ASH1L-related conditions. This variant has seven heterozygous allele in gnomAD v3.1.1 suggesting it is not a common benign variant in the populations represented in this database. In silico algorithms predict a conflicting interpretation of pathogenicity. The p.Arg1624 residue is not within a mapped domain of ASH1L. Given the lack of compelling evidence for its pathogenicity, the c.4871G>A, p.Arg1624Gln variant identified in the ASH1L gene is reported as a Variant of Uncertain Significance.

NM_018489.3(ASH1L):c.4871G>A (p.Arg1624Gln)

Gene: ASH1L (ASH1 like histone lysine methyltransferase; minus strand). Cytogenetic location: 1q22.
Variant type: single nucleotide variant.
Coding change: c.4871G>A on transcript NM_018489.3 (MANE Select); coding-DNA position 4871, G replaced by A.
Protein change: p.Arg1624Gln; replaces arginine 1624 with glutamine.
Molecular consequence: missense variant.
Genome position (GRCh38, 1-based): chr1:155,477,999, C>T on the plus strand (G>A on the coding strand, the complement: ASH1L is on the minus strand). VCF-style: chr1-155477999-C-T. GRCh37 (hg19) VCF-style: chr1-155447790-C-T.
Other names: c.4871G>A, p.Arg1624Gln (NM_001366177.2); short protein forms R1624Q.
Identifiers: ClinVar variation 1679746 (VCV001679746.5), dbSNP rs931459501, ClinGen allele CA30912522.